The following is an entry in ClinVar:

NM_001365999.1(SZT2):c.1484A>G (p.Asn495Ser)

Gene: SZT2 (SZT2 subunit of KICSTOR complex; plus strand). Cytogenetic location: 1p34.2.
Variant type: single nucleotide variant.
Coding change: c.1484A>G on transcript NM_001365999.1 (MANE Select); coding-DNA position 1484, A replaced by G.
Protein change: p.Asn495Ser; replaces asparagine 495 with serine.
Molecular consequence: missense variant.
Genome position (GRCh38, 1-based): chr1:43,420,971, A>G. VCF-style: chr1-43420971-A-G. GRCh37 (hg19) VCF-style: chr1-43886642-A-G.
Other names: c.1484A>G (NM_015284.3); c.1484A>G, p.Asn495Ser (NM_015284.4); short protein forms N495S.
Identifiers: ClinVar variation 1348820 (VCV001348820.9), dbSNP rs1421372595, ClinGen allele CA340007860.

ClinVar aggregate classification (germline): Uncertain significance. Review status: criteria provided, multiple submitters, no conflicts (2 of 4 stars). 2 submissions from 2 submitters: Uncertain significance (2). Last evaluated 2025-05-15.

Conditions:
Inborn genetic diseases. Identifiers: MedGen C0950123, MeSH D030342.

Allele frequency attached by ClinVar (database versions not stated): gnomAD 0.00001; gnomAD exomes 0.00001; TOPMed 0.00001.
gnomAD v4.1: 17 of 1,598,342 alleles (0.0011%); highest among the groups gnomAD compares: Non-Finnish European, 0.0014%; no homozygotes.

Submissions (2):

Ambry Genetics
Classification: Uncertain significance for Inborn genetic diseases. Last evaluated: 2025-05-15. Review status: criteria provided, single submitter. Criteria: Ambry Variant Classification Scheme 2023. Collection method: clinical testing. Allele origin: germline.

Labcorp Genetics (formerly Invitae), Labcorp
Classification: Uncertain significance. Last evaluated: 2024-02-17. Review status: criteria provided, single submitter. Criteria: Invitae Variant Classification Sherloc (09022015). Collection method: clinical testing. Allele origin: germline.
Comment: This sequence change replaces asparagine, which is neutral and polar, with serine, which is neutral and polar, at codon 495 of the SZT2 protein (p.Asn495Ser). This variant is not present in population databases (gnomAD no frequency). This variant has not been reported in the literature in individuals affected with SZT2-related conditions. ClinVar contains an entry for this variant (Variation ID: 1348820). Advanced modeling of protein sequence and biophysical properties (such as structural, functional, and spatial information, amino acid conservation, physicochemical variation, residue mobility, and thermodynamic stability) performed at Invitae indicates that this missense variant is expected to disrupt SZT2 protein function with a positive predictive value of 80%. In summary, the available evidence is currently insufficient to determine the role of this variant in disease. Therefore, it has been classified as a Variant of Uncertain Significance.